The following is an entry in ClinVar:

ClinVar aggregate classification (germline): Uncertain significance (1 of 4 stars; one submission).

Submission:

Labcorp Genetics (formerly Invitae), Labcorp
Classification: Uncertain significance. Last evaluated: 2024-11-18. Review status: criteria provided, single submitter. Criteria: Invitae Variant Classification Sherloc (09022015). Collection method: clinical testing. Allele origin: germline.
Comment: This sequence change replaces proline, which is neutral and non-polar, with alanine, which is neutral and non-polar, at codon 219 of the KIAA1549 protein (p.Pro219Ala). This variant is not present in population databases (gnomAD no frequency). This variant has not been reported in the literature in individuals affected with KIAA1549-related conditions. ClinVar contains an entry for this variant (Variation ID: 2129166). An algorithm developed to predict the effect of missense changes on protein structure and function outputs the following: PolyPhen-2: "Benign". The alanine amino acid residue is found in multiple mammalian species, which suggests that this missense change does not adversely affect protein function. In summary, the available evidence is currently insufficient to determine the role of this variant in disease. Therefore, it has been classified as a Variant of Uncertain Significance.

NM_001164665.2(KIAA1549):c.655C>G (p.Pro219Ala)

Gene: KIAA1549 (KIAA1549; minus strand). Cytogenetic location: 7q34.
Variant type: single nucleotide variant.
Coding change: c.655C>G on transcript NM_001164665.2 (MANE Select); coding-DNA position 655, C replaced by G.
Protein change: p.Pro219Ala; replaces proline 219 with alanine.
Molecular consequence: missense variant.
Genome position (GRCh38, 1-based): chr7:138,918,971, G>C on the plus strand (C>G on the coding strand, the complement: KIAA1549 is on the minus strand). VCF-style: chr7-138918971-G-C. GRCh37 (hg19) VCF-style: chr7-138603717-G-C.
Other names: c.655C>G, p.Pro219Ala (NM_020910.3); short protein forms P219A.
Identifiers: ClinVar variation 2129166 (VCV002129166.4), dbSNP rs1812449678, ClinGen allele CA369402373.